The following is an entry in ClinVar:

ClinVar aggregate classification (germline): Uncertain significance. Review status: criteria provided, multiple submitters, no conflicts (2 of 4 stars). 2 submissions from 2 submitters: Uncertain significance (2). Last evaluated 2024-11-04.

Conditions:
Mendelian susceptibility to mycobacterial diseases due to complete IL12RB1 deficiency. Also called: IL12RB1 DEFICIENCY; Immunodeficiency 30. Identifiers: Orphanet 319552, MedGen C4013949, MONDO:0013955, OMIM 614891.

Allele frequency attached by ClinVar (database versions not stated): TOPMed 0.00004; ESP Exome Variant Server 0.00008.
gnomAD v4.1: 80 of 1,612,684 alleles (0.005%); highest among the groups gnomAD compares: Admixed American, 0.02%; no homozygotes.

Submissions (2):

Labcorp Genetics (formerly Invitae), Labcorp
Classification: Uncertain significance for Mendelian susceptibility to mycobacterial diseases due to complete IL12RB1 deficiency. Last evaluated: 2024-11-04. Review status: criteria provided, single submitter. Criteria: Invitae Variant Classification Sherloc (09022015). Collection method: clinical testing. Allele origin: germline.
Comment: This sequence change replaces arginine, which is basic and polar, with glutamine, which is neutral and polar, at codon 403 of the IL12RB1 protein (p.Arg403Gln). This variant is present in population databases (rs202048215, gnomAD 0.04%). This variant has not been reported in the literature in individuals affected with IL12RB1-related conditions. ClinVar contains an entry for this variant (Variation ID: 891818). Invitae Evidence Modeling of protein sequence and biophysical properties (such as structural, functional, and spatial information, amino acid conservation, physicochemical variation, residue mobility, and thermodynamic stability) indicates that this missense variant is not expected to disrupt IL12RB1 protein function with a negative predictive value of 80%. In summary, the available evidence is currently insufficient to determine the role of this variant in disease. Therefore, it has been classified as a Variant of Uncertain Significance.

Illumina Laboratory Services, Illumina
Classification: Uncertain significance for Mendelian susceptibility to mycobacterial diseases due to complete IL12RB1 deficiency. Last evaluated: 2018-01-13. Review status: criteria provided, single submitter. Criteria: ICSL Variant Classification Criteria 13 December 2019. Collection method: clinical testing. Allele origin: germline.

NM_005535.3(IL12RB1):c.1208G>A (p.Arg403Gln)

Gene: IL12RB1 (interleukin 12 receptor subunit beta 1; minus strand). Cytogenetic location: 19p13.11.
Variant type: single nucleotide variant.
Coding change: c.1208G>A on transcript NM_005535.3 (MANE Select); coding-DNA position 1208, G replaced by A.
Protein change: p.Arg403Gln; replaces arginine 403 with glutamine.
Molecular consequence: missense variant.
Genome position (GRCh38, 1-based): chr19:18,068,508, C>T on the plus strand (G>A on the coding strand, the complement: IL12RB1 is on the minus strand). VCF-style: chr19-18068508-C-T. GRCh37 (hg19) VCF-style: chr19-18179318-C-T.
Other names: c.1208G>A, p.Arg403Gln (NM_001290023.2); c.1328G>A, p.Arg443Gln (NM_001290024.2); short protein forms R403Q, R443Q.
Identifiers: ClinVar variation 891818 (VCV000891818.12), dbSNP rs202048215, ClinGen allele CA9304918.